The following is an entry in ClinVar:

ClinVar aggregate classification (germline): Likely benign (0 of 4 stars; one submission).

Conditions:
NOTCH1-related disorder. Also called: NOTCH1-related condition; NOTCH1-related disorders.

Submission:

PreventionGenetics, part of Exact Sciences
Classification: Likely benign for NOTCH1-related condition. Last evaluated: 2024-09-23. Review status: no assertion criteria provided. Collection method: clinical testing. Allele origin: germline.
Comment: This variant is classified as likely benign based on ACMG/AMP sequence variant interpretation guidelines (Richards et al. 2015 PMID: 25741868, with internal and published modifications).

NM_017617.5(NOTCH1):c.984T>C (p.Thr328=)

Gene: NOTCH1 (notch receptor 1; minus strand). Cytogenetic location: 9q34.3.
Variant type: single nucleotide variant.
Coding change: c.984T>C on transcript NM_017617.5 (MANE Select); coding-DNA position 984, T replaced by C.
Protein change: p.Thr328=; no amino-acid change (threonine 328 retained).
Molecular consequence: synonymous variant.
Genome position (GRCh38, 1-based): chr9:136,518,706, A>G on the plus strand (T>C on the coding strand, the complement: NOTCH1 is on the minus strand). VCF-style: chr9-136518706-A-G. GRCh37 (hg19) VCF-style: chr9-139413158-A-G.
Identifiers: ClinVar variation 3344172 (VCV003344172.1).
Genomic context (GRCh38, chr9:136,518,706, plus strand): 5'-GGCGCCGTGGAAGCAGGCGGCGCTGGCACAGTCATCAATGTTCTCGCTGCAGTCCTCACC[A>G]GTCCAGCCGTTGACACACACGCAGTTGTAGCCACCGTGGGTGTTGTGGCAGGTCCCGCCG-3'
Protein context (NP_060087.3, residues 318-338): GYNCVCVNGW[Thr328=]GEDCSENIDD